The following is an entry in ClinVar:

ClinVar aggregate classification (germline): Pathogenic (1 of 4 stars; one submission).

Conditions:
Polycystic kidney disease, adult type (PKD1). Also called: Polycystic Kidney, Autosomal Dominant; POLYCYSTIC KIDNEY DISEASE 1 WITH OR WITHOUT POLYCYSTIC LIVER DISEASE; Polycystic Kidney Disease 1, Autosomal Dominant; Polycystic kidney disease 1; Polycystic kidney disease 1, severe; POLYCYSTIC KIDNEY DISEASE, ADULT, TYPE I. Identifiers: MedGen C3149841, MONDO:0008263, OMIM 173900.

Submission:

3billion
Classification: Pathogenic for Polycystic kidney disease, adult type. Last evaluated: 2023-06-27. Review status: criteria provided, single submitter. Criteria: ACMG Guidelines, 2015. Collection method: clinical testing. Allele origin: germline. Affected: yes.
Comment: The variant is not observed in the gnomAD v2.1.1 dataset. Predicted Consequence/Location: Frameshift: predicted to result in a loss or disruption of normal protein function through nonsense-mediated decay (NMD) or protein truncation. Multiple pathogenic variants are reported downstream of the variant. The variant has been reported to be associated with PKD1 related disorder (PMID: 31740684). Therefore, this variant is classified as Pathogenic according to the recommendation of ACMG/AMP guideline.

Literature cited by the submitters: PubMed 31740684.

NM_001009944.3(PKD1):c.43_62del (p.Leu15fs)

Gene: PKD1 (polycystin 1, transient receptor potential channel interacting; minus strand). Cytogenetic location: 16p13.3.
Variant type: Deletion.
Coding change: c.43_62del on transcript NM_001009944.3 (MANE Select); coding-DNA positions 43 to 62, 20 bases deleted (CTGGGCCTGTGGCTCGGGGC).
Protein change: p.Leu15fs; shifts the reading frame from leucine 15.
Molecular consequence: frameshift variant.
Genome position (GRCh38, 1-based): chr16:2,135,628-2,135,647, GCCCCGAGCCACAGGCCCAG deleted on the plus strand (CTGGGCCTGTGGCTCGGGGC on the coding strand, the reverse complement: PKD1 is on the minus strand); deleting any 20 consecutive bases within chr16:2,135,628-2,135,651 gives the same sequence; the c. name uses the placement nearest the transcript's 3' end. VCF-style (leftmost placement, unchanged base first): chr16-2135627-CGCCCCGAGCCACAGGCCCAG-C. GRCh37 (hg19) VCF-style: chr16-2185628-CGCCCCGAGCCACAGGCCCAG-C.
Other names: c.43_62del, p.Leu15fs (NM_000296.4); short protein forms L15fs.
Identifiers: ClinVar variation 3775590 (VCV003775590.1).